The following is an entry in ClinVar:

NM_001199397.3(NEK1):c.3584A>T (p.Asp1195Val)

Gene: NEK1 (NIMA related kinase 1; minus strand). Cytogenetic location: 4q33.
Variant type: single nucleotide variant.
Coding change: c.3584A>T on transcript NM_001199397.3 (MANE Select); coding-DNA position 3584, A replaced by T.
Protein change: p.Asp1195Val; replaces aspartic acid 1195 with valine.
Molecular consequence: missense variant. On other transcripts: non-coding transcript variant (1).
Genome position (GRCh38, 1-based): chr4:169,400,651, T>A on the plus strand (A>T on the coding strand, the complement: NEK1 is on the minus strand). VCF-style: chr4-169400651-T-A. GRCh37 (hg19) VCF-style: chr4-170321802-T-A.
Other names: c.3452A>T, p.Asp1151Val (NM_001199398.3); c.3293A>T, p.Asp1098Val (NM_001199399.3); c.3368A>T, p.Asp1123Val (NM_001199400.3); c.3584A>T, p.Asp1195Val (NM_001374418.1); c.3500A>T, p.Asp1167Val (NM_001374419.1, NM_012224.4); c.3449A>T, p.Asp1150Val (NM_001374420.1); c.3101A>T, p.Asp1034Val (NM_001374421.1); short protein forms D1098V, D1151V, D1195V, D1167V, D1034V, D1123V, D1150V.
Identifiers: ClinVar variation 2887806 (VCV002887806.3), dbSNP rs371162702, ClinGen allele CA110543303.
Genomic context (GRCh38, chr4:169,400,651, plus strand): 5'-TCTAAATGGTTAAAGACACTATCGCATTCACATTCACTAGCAATTTCACCATCACTGTTA[T>A]CTAAAAAACAAAATTAAAATAGAGATTTGATTTAAAAAGACTGAATAACTCATACCCTAA-3'
Protein context (NP_001186326.1, residues 1185-1205): ESALNEEWHS[Asp1195Val]NSDGEIASEC

ClinVar aggregate classification (germline): Uncertain significance (1 of 4 stars; one submission).

Conditions:
Short-rib thoracic dysplasia 6 with or without polydactyly (SRTD6). Also called: SHORT-RIB THORACIC DYSPLASIA 6 WITH POLYDACTYLY; SHORT-RIB THORACIC DYSPLASIA 6 WITHOUT POLYDACTYLY; Majewski Syndrome; SHORT RIB-POLYDACTYLY SYNDROME, TYPE IIA; POLYDACTYLY WITH NEONATAL CHONDRODYSTROPHY, TYPE II. Identifiers: MedGen C0024507, MONDO:0009894, OMIM 263520.

Allele frequency attached by ClinVar (database versions not stated): gnomAD 0.00001; TOPMed 0.00001; ESP Exome Variant Server 0.00009.
gnomAD v4.1: 2 of 1,569,800 alleles (0.00013%); highest among the groups gnomAD compares: Non-Finnish European, 0.00017%; no homozygotes.

Submission:

Labcorp Genetics (formerly Invitae), Labcorp
Classification: Uncertain significance for Short-rib thoracic dysplasia 6 with or without polydactyly. Last evaluated: 2023-08-04. Review status: criteria provided, single submitter. Criteria: Invitae Variant Classification Sherloc (09022015). Collection method: clinical testing. Allele origin: germline.
Comment: In summary, the available evidence is currently insufficient to determine the role of this variant in disease. Therefore, it has been classified as a Variant of Uncertain Significance. An algorithm developed to predict the effect of missense changes on protein structure and function (PolyPhen-2) suggests that this variant is likely to be tolerated. This variant has not been reported in the literature in individuals affected with NEK1-related conditions. This variant is present in population databases (rs371162702, gnomAD 0.007%). This sequence change replaces aspartic acid, which is acidic and polar, with valine, which is neutral and non-polar, at codon 1167 of the NEK1 protein (p.Asp1167Val).